The following is an entry in ClinVar:

ClinVar aggregate classification (germline): Uncertain significance (1 of 4 stars; one submission).

Submission:

Labcorp Genetics (formerly Invitae), Labcorp
Classification: Uncertain significance. Last evaluated: 2023-10-10. Review status: criteria provided, single submitter. Criteria: Invitae Variant Classification Sherloc (09022015). Collection method: clinical testing. Allele origin: germline.
Comment: This sequence change falls in intron 2 of the NTHL1 gene. It does not directly change the encoded amino acid sequence of the NTHL1 protein. It affects a nucleotide within the consensus splice site. This variant is not present in population databases (gnomAD no frequency). This variant has not been reported in the literature in individuals affected with NTHL1-related conditions. Variants that disrupt the consensus splice site are a relatively common cause of aberrant splicing (PMID: 17576681, 9536098). Algorithms developed to predict the effect of sequence changes on RNA splicing suggest that this variant may disrupt the consensus splice site. In summary, the available evidence is currently insufficient to determine the role of this variant in disease. Therefore, it has been classified as a Variant of Uncertain Significance.

Literature cited by the submitters: PubMed 17576681; PubMed 9536098.

NM_002528.7(NTHL1):c.355-3C>G

Gene: NTHL1 (nth like DNA glycosylase 1; minus strand). Cytogenetic location: 16p13.3.
Variant type: single nucleotide variant.
Coding change: c.355-3C>G on transcript NM_002528.7 (MANE Select); 3 bases into the intron before coding-DNA position 355, C replaced by G.
Molecular consequence: intron variant.
Genome position (GRCh38, 1-based): chr16:2,044,803, G>C on the plus strand (C>G on the coding strand, the complement: NTHL1 is on the minus strand). VCF-style: chr16-2044803-G-C. GRCh37 (hg19) VCF-style: chr16-2094804-G-C.
Other names: c.25-3C>G (NM_001318194.2); c.355-1077C>G (NM_001318193.2).
Identifiers: ClinVar variation 2767372 (VCV002767372.3), dbSNP rs1188936333, ClinGen allele CA2697549549.
Genomic context (GRCh38, chr16:2,044,803, plus strand): 5'-CCTGGTCTTTGGTTTGGCTGGAGAGCATCAGTGACAGCAGCACCTGGTACCTGCGTACCT[G>C]CTTGTGCAGTGACAGGGACCGGGGTGGCGGCGGGTCCTGGGTGATTCCCTGGCCAGGCTC-3'